The following is an entry in ClinVar:

NM_015443.4(KANSL1):c.1526A>G (p.Asp509Gly)

Gene: KANSL1 (KAT8 regulatory NSL complex subunit 1). Cytogenetic location: 17q21.31.
Variant type: single nucleotide variant.
Coding change: c.1526A>G on transcript NM_015443.4 (MANE Select); coding-DNA position 1526, A replaced by G.
Protein change: p.Asp509Gly; replaces aspartic acid 509 with glycine.
Molecular consequence: missense variant.
Genome position (GRCh38, 1-based): chr17:46,082,448, T>C on the plus strand (A>G on the coding strand, the complement: KANSL1 is on the minus strand). VCF-style: chr17-46082448-T-C. GRCh37 (hg19) VCF-style: chr17-44159814-T-C.
Other names: c.1526A>G, p.Asp509Gly (NM_001193465.2, NM_001193466.2, NM_001379198.1); short protein forms D509G.
Identifiers: ClinVar variation 1510825 (VCV001510825.6), dbSNP rs2146826344, ClinGen allele CA399992995.

ClinVar aggregate classification (germline): Uncertain significance (1 of 4 stars; one submission).

Conditions:
Koolen-de Vries syndrome (KDVS). Identifiers: Orphanet 96169, MedGen C1864871, MONDO:0012496, OMIM 610443.

Allele frequency attached by ClinVar (database versions not stated): gnomAD exomes below 0.00001.
gnomAD v4.1: 1 of 1,602,470 alleles (0.000062%); highest among the groups gnomAD compares: African/African-American, 0.0013%; no homozygotes.

Submission:

Labcorp Genetics (formerly Invitae), Labcorp
Classification: Uncertain significance for Koolen-de Vries syndrome. Last evaluated: 2024-05-20. Review status: criteria provided, single submitter. Criteria: Invitae Variant Classification Sherloc (09022015). Collection method: clinical testing. Allele origin: germline.
Comment: This sequence change replaces aspartic acid, which is acidic and polar, with glycine, which is neutral and non-polar, at codon 509 of the KANSL1 protein (p.Asp509Gly). This variant is not present in population databases (gnomAD no frequency). This variant has not been reported in the literature in individuals affected with KANSL1-related conditions. ClinVar contains an entry for this variant (Variation ID: 1510825). Advanced modeling of protein sequence and biophysical properties (such as structural, functional, and spatial information, amino acid conservation, physicochemical variation, residue mobility, and thermodynamic stability) performed at Invitae indicates that this missense variant is not expected to disrupt KANSL1 protein function with a negative predictive value of 80%. In summary, the available evidence is currently insufficient to determine the role of this variant in disease. Therefore, it has been classified as a Variant of Uncertain Significance.